The following is an entry in ClinVar:

ClinVar aggregate classification (germline): Likely benign (1 of 4 stars; one submission).

Allele frequency attached by ClinVar (database versions not stated): TOPMed 0.00008.
gnomAD v4.1: 19 of 1,195,832 alleles (0.0016%); highest among the groups gnomAD compares: African/African-American, 0.027%; no homozygotes.

Submission:

CeGaT Center for Human Genetics Tuebingen
Classification: Likely benign. Last evaluated: 2023-04-01. Review status: criteria provided, single submitter. Criteria: CeGaT Center For Human Genetics Tuebingen Variant Classification Criteria Version 2. Collection method: clinical testing. Allele origin: germline. Affected: yes. Observed: 1 variant allele.
Comment: HRK: BP4, BP7

NM_003806.4(HRK):c.168C>T (p.Ser56=)

Gene: HRK (harakiri, BCL2 interacting protein; minus strand). Cytogenetic location: 12q24.22.
Variant type: single nucleotide variant.
Coding change: c.168C>T on transcript NM_003806.4 (MANE Select); coding-DNA position 168, C replaced by T.
Protein change: p.Ser56=; no amino-acid change (serine 56 retained).
Molecular consequence: synonymous variant. On other transcripts: non-coding transcript variant (1).
Genome position (GRCh38, 1-based): chr12:116,881,140, G>A on the plus strand (C>T on the coding strand, the complement: HRK is on the minus strand). VCF-style: chr12-116881140-G-A. GRCh37 (hg19) VCF-style: chr12-117318945-G-A.
Identifiers: ClinVar variation 2643373 (VCV002643373.24), dbSNP rs929616287, ClinGen allele CA245023231.